The following is an entry in ClinVar:

NM_001190274.2(FBXO11):c.2338+2T>C

Gene: FBXO11 (F-box protein 11; minus strand). Cytogenetic location: 2p16.3.
Variant type: single nucleotide variant.
Coding change: c.2338+2T>C on transcript NM_001190274.2 (MANE Select); the canonical splice donor site of the intron after coding-DNA position 2338, T replaced by C.
Molecular consequence: splice donor variant.
Genome position (GRCh38, 1-based): chr2:47,810,314, A>G on the plus strand (T>C on the coding strand, the complement: FBXO11 is on the minus strand). VCF-style: chr2-47810314-A-G. GRCh37 (hg19) VCF-style: chr2-48037453-A-G.
Other names: c.2086+2T>C (NM_001374325.1, NM_025133.4).
Identifiers: ClinVar variation 1031220 (VCV001031220.1), dbSNP rs1670528197, ClinGen allele CA346762872.

ClinVar aggregate classification (germline): Likely pathogenic (1 of 4 stars; one submission).

Conditions:
Intellectual developmental disorder with dysmorphic facies and behavioral abnormalities. Identifiers: MedGen C4748135, MONDO:0060760, OMIM 618089.

Submission:

Baylor Genetics
Classification: Likely pathogenic for Intellectual developmental disorder with dysmorphic facies and behavioral abnormalities. Last evaluated: 2019-12-16. Review status: criteria provided, single submitter. Criteria: ACMG Guidelines, 2015. Collection method: clinical testing. Allele origin: unknown. Affected: yes.
Comment: This variant was determined to be likely pathogenic according to ACMG Guidelines, 2015 [PMID:25741868].